The following is an entry in ClinVar:

ClinVar aggregate classification (germline): Uncertain significance (1 of 4 stars; one submission).

Allele frequency attached by ClinVar (database versions not stated): gnomAD exomes 0.00001; TOPMed 0.00001.

Submission:

Labcorp Genetics (formerly Invitae), Labcorp
Classification: Uncertain significance. Last evaluated: 2024-08-12. Review status: criteria provided, single submitter. Criteria: Invitae Variant Classification Sherloc (09022015). Collection method: clinical testing. Allele origin: germline.
Comment: This sequence change replaces alanine, which is neutral and non-polar, with threonine, which is neutral and polar, at codon 45 of the EXOSC8 protein (p.Ala45Thr). This variant is not present in population databases (gnomAD no frequency). This variant has not been reported in the literature in individuals affected with EXOSC8-related conditions. ClinVar contains an entry for this variant (Variation ID: 2189873). Advanced modeling of protein sequence and biophysical properties (such as structural, functional, and spatial information, amino acid conservation, physicochemical variation, residue mobility, and thermodynamic stability) performed at Invitae indicates that this missense variant is not expected to disrupt EXOSC8 protein function with a negative predictive value of 80%. In summary, the available evidence is currently insufficient to determine the role of this variant in disease. Therefore, it has been classified as a Variant of Uncertain Significance.

NM_181503.3(EXOSC8):c.133G>A (p.Ala45Thr)

Gene: EXOSC8 (exosome component 8; plus strand). Cytogenetic location: 13q13.3.
Variant type: single nucleotide variant.
Coding change: c.133G>A on transcript NM_181503.3 (MANE Select); coding-DNA position 133, G replaced by A.
Protein change: p.Ala45Thr; replaces alanine 45 with threonine.
Molecular consequence: missense variant.
Genome position (GRCh38, 1-based): chr13:37,002,948, G>A. VCF-style: chr13-37002948-G-A. GRCh37 (hg19) VCF-style: chr13-37577085-G-A.
Other names: short protein forms A45T.
Identifiers: ClinVar variation 2189873 (VCV002189873.4), dbSNP rs950116778, ClinGen allele CA248242227.